The following is an entry in ClinVar:

NM_001382567.1(STIM1):c.610C>T (p.Leu204Phe)

Gene: STIM1 (stromal interaction molecule 1; plus strand). Cytogenetic location: 11p15.4.
Variant type: single nucleotide variant.
Coding change: c.610C>T on transcript NM_001382567.1 (MANE Select); coding-DNA position 610, C replaced by T.
Protein change: p.Leu204Phe; replaces leucine 204 with phenylalanine.
Molecular consequence: missense variant. On other transcripts: intron variant (1), non-coding transcript variant (3).
Genome position (GRCh38, 1-based): chr11:4,059,393, C>T. VCF-style: chr11-4059393-C-T. GRCh37 (hg19) VCF-style: chr11-4080623-C-T.
Other names: c.610C>T, p.Leu204Phe (NM_001277961.3, NM_001277962.2, NM_001382568.1 and 2 more transcripts); c.388C>T, p.Leu130Phe (NM_001382566.1, NM_001382573.1, NM_001382574.1 and 5 more transcripts); c.475C>T, p.Leu159Phe (NM_001382569.1); c.130C>T, p.Leu44Phe (NM_001382571.1); c.386-10633C>T (NM_001382570.1); c.121C>T, p.Leu41Phe (NM_001382580.1, NM_001382581.1); short protein forms L159F, L41F, L44F, L204F, L130F.
Identifiers: ClinVar variation 1346496 (VCV001346496.8), dbSNP rs1375399301, ClinGen allele CA379485922.

ClinVar aggregate classification (germline): Uncertain significance (1 of 4 stars; one submission).

Conditions:
Combined immunodeficiency due to STIM1 deficiency. Also called: IMMUNODEFICIENCY 10; STIM1 DEFICIENCY. Identifiers: Orphanet 169090, Orphanet 317430, MedGen C2748557, MONDO:0013008, OMIM 612783.
Stormorken syndrome (STRMK). Also called: THROMBOCYTOPATHY, ASPLENIA, AND MIOSIS. Identifiers: Orphanet 3204, MedGen C1861451, MONDO:0008497, OMIM 185070.
Myopathy with tubular aggregates (TAM). Also called: Tubular Aggregate Myopathy. Identifiers: Orphanet 2593, MedGen C0410207, MONDO:0008051.

Allele frequency attached by ClinVar (database versions not stated): gnomAD exomes below 0.00001.
gnomAD v4.1: 1 of 1,613,658 alleles (0.000062%); highest among the groups gnomAD compares: Non-Finnish European, 0.000085%; no homozygotes.

Submission:

Labcorp Genetics (formerly Invitae), Labcorp
Classification: Uncertain significance for Myopathy with tubular aggregates; Combined immunodeficiency due to STIM1 deficiency; Stormorken syndrome. Last evaluated: 2024-07-17. Review status: criteria provided, single submitter. Criteria: Invitae Variant Classification Sherloc (09022015). Collection method: clinical testing. Allele origin: germline.
Comment: This sequence change replaces leucine, which is neutral and non-polar, with phenylalanine, which is neutral and non-polar, at codon 204 of the STIM1 protein (p.Leu204Phe). This variant is not present in population databases (gnomAD no frequency). This variant has not been reported in the literature in individuals affected with STIM1-related conditions. ClinVar contains an entry for this variant (Variation ID: 1346496). Advanced modeling of protein sequence and biophysical properties (such as structural, functional, and spatial information, amino acid conservation, physicochemical variation, residue mobility, and thermodynamic stability) performed at Invitae indicates that this missense variant is expected to disrupt STIM1 protein function with a positive predictive value of 80%. In summary, the available evidence is currently insufficient to determine the role of this variant in disease. Therefore, it has been classified as a Variant of Uncertain Significance.